The following is an entry in ClinVar:

NM_203486.3(DLL3):c.1400C>T (p.Pro467Leu)

Gene: DLL3 (delta like canonical Notch ligand 3; plus strand). Cytogenetic location: 19q13.2.
Variant type: single nucleotide variant.
Coding change: c.1400C>T on transcript NM_203486.3 (MANE Select); coding-DNA position 1400, C replaced by T.
Protein change: p.Pro467Leu; replaces proline 467 with leucine.
Molecular consequence: missense variant.
Genome position (GRCh38, 1-based): chr19:39,507,345, C>T. VCF-style: chr19-39507345-C-T. GRCh37 (hg19) VCF-style: chr19-39997985-C-T.
Other names: c.1400C>T, p.Pro467Leu (NM_016941.4); short protein forms P467L.
Identifiers: ClinVar variation 2009563 (VCV002009563.4), dbSNP rs2514649372, ClinGen allele CA405788622.

ClinVar aggregate classification (germline): Uncertain significance (1 of 4 stars; one submission).

Submission:

Labcorp Genetics (formerly Invitae), Labcorp
Classification: Uncertain significance. Last evaluated: 2022-06-23. Review status: criteria provided, single submitter. Criteria: Invitae Variant Classification Sherloc (09022015). Collection method: clinical testing. Allele origin: germline.
Comment: In summary, the available evidence is currently insufficient to determine the role of this variant in disease. Therefore, it has been classified as a Variant of Uncertain Significance. Algorithms developed to predict the effect of missense changes on protein structure and function are either unavailable or do not agree on the potential impact of this missense change (SIFT: "Deleterious"; PolyPhen-2: "Benign"; Align-GVGD: "Class C0"). This variant has not been reported in the literature in individuals affected with DLL3-related conditions. This variant is not present in population databases (gnomAD no frequency). This sequence change replaces proline, which is neutral and non-polar, with leucine, which is neutral and non-polar, at codon 467 of the DLL3 protein (p.Pro467Leu).